The following is an entry in ClinVar:

NM_000824.5(GLRB):c.1028C>T (p.Ser343Phe)

Gene: GLRB (glycine receptor beta; plus strand). Cytogenetic location: 4q32.1.
Variant type: single nucleotide variant.
Coding change: c.1028C>T on transcript NM_000824.5 (MANE Select); coding-DNA position 1028, C replaced by T.
Protein change: p.Ser343Phe; replaces serine 343 with phenylalanine.
Molecular consequence: missense variant. On other transcripts: intron variant (1).
Genome position (GRCh38, 1-based): chr4:157,152,841, C>T. VCF-style: chr4-157152841-C-T. GRCh37 (hg19) VCF-style: chr4-158073993-C-T.
Other names: c.1028C>T, p.Ser343Phe (NM_001166060.2); c.904+8882C>T (NM_001166061.2); short protein forms S343F.
Identifiers: ClinVar variation 1366289 (VCV001366289.8), dbSNP rs1294827561, ClinGen allele CA358644465.
Genomic context (GRCh38, chr4:157,152,841, plus strand): 5'-TTTCCTATGTGAAGGCTCTTGATGTTTGGCTTATTGCTTGCCTTCTCTTTGGGTTTGCTT[C>T]CCTGGTGGAGTATGCAGTTGTCCAGGTGATGCTGAACAACCCCAAAAGGGTTGAAGCTGA-3'
Protein context (NP_000815.1, residues 333-353): LIACLLFGFA[Ser343Phe]LVEYAVVQVM

ClinVar aggregate classification (germline): Uncertain significance (1 of 4 stars; one submission).

Conditions:
Hyperekplexia 2 (HKPX2). Identifiers: Orphanet 3197, MedGen C3553291, MONDO:0013828, OMIM 614619.

Submission:

Labcorp Genetics (formerly Invitae), Labcorp
Classification: Uncertain significance for Hyperekplexia 2. Last evaluated: 2021-03-10. Review status: criteria provided, single submitter. Criteria: Invitae Variant Classification Sherloc (09022015). Collection method: clinical testing. Allele origin: germline.
Comment: This variant is not present in population databases (ExAC no frequency). This sequence change replaces serine with phenylalanine at codon 343 of the GLRB protein (p.Ser343Phe). The serine residue is highly conserved and there is a large physicochemical difference between serine and phenylalanine. This variant has been observed in individual(s) with autosomal recessive hyperekplexia (PMID: 22532536). Algorithms developed to predict the effect of missense changes on protein structure and function are either unavailable or do not agree on the potential impact of this missense change (SIFT: "Tolerated"; PolyPhen-2: "Possibly Damaging"; Align-GVGD: "Class C0"). In summary, the available evidence is currently insufficient to determine the role of this variant in disease. Therefore, it has been classified as a Variant of Uncertain Significance.

Literature cited by the submitters: PubMed 22532536.